The following is an entry in ClinVar:

ClinVar aggregate classification (germline): Likely benign (1 of 4 stars; one submission).

gnomAD v4.1: 15 of 1,612,662 alleles (0.00093%); highest among the groups gnomAD compares: East Asian, 0.025%; no homozygotes.

Submission:

CeGaT Center for Human Genetics Tuebingen
Classification: Likely benign. Last evaluated: 2026-03-01. Review status: criteria provided, single submitter. Criteria: CeGaT Center For Human Genetics Tuebingen Variant Classification Criteria Version 2. Collection method: clinical testing. Allele origin: germline. Affected: yes. Observed: 1 variant allele.
Comment: BRF1: BP4, BP7

NM_001519.4(BRF1):c.603C>T (p.His201=)

Gene: BRF1 (BRF1 general transcription factor IIIB subunit; minus strand). Cytogenetic location: 14q32.33.
Variant type: single nucleotide variant.
Coding change: c.603C>T on transcript NM_001519.4 (MANE Select); coding-DNA position 603, C replaced by T.
Protein change: p.His201=; no amino-acid change (histidine 201 retained).
Molecular consequence: synonymous variant. On other transcripts: 5 prime UTR variant (1), intron variant (4).
Genome position (GRCh38, 1-based): chr14:105,241,356, G>A on the plus strand (C>T on the coding strand, the complement: BRF1 is on the minus strand). VCF-style: chr14-105241356-G-A. GRCh37 (hg19) VCF-style: chr14-105707693-G-A.
Other names: c.258C>T, p.His86= (NM_001242786.2, NM_001242787.2); c.522C>T, p.His174= (NM_001242788.2); c.603C>T, p.His201= (NM_001440449.1); c.90C>T, p.His30= (NM_001440452.1, NM_001440453.1); c.-10C>T (NM_145685.3); c.199+11151C>T (NM_001440451.1); c.544+11151C>T (NM_001440450.1); c.-21+7793C>T (NM_001242789.2); and 1 more.
Identifiers: ClinVar variation 4822366 (VCV004822366.4).